The following is an entry in ClinVar:

NM_153026.3(PRICKLE1):c.199C>A (p.His67Asn)

Gene: PRICKLE1 (prickle planar cell polarity protein 1; minus strand). Cytogenetic location: 12q12.
Variant type: single nucleotide variant.
Coding change: c.199C>A on transcript NM_153026.3 (MANE Select); coding-DNA position 199, C replaced by A.
Protein change: p.His67Asn; replaces histidine 67 with asparagine.
Molecular consequence: missense variant.
Genome position (GRCh38, 1-based): chr12:42,470,293, G>T on the plus strand (C>A on the coding strand, the complement: PRICKLE1 is on the minus strand). VCF-style: chr12-42470293-G-T. GRCh37 (hg19) VCF-style: chr12-42864095-G-T.
Other names: c.199C>A, p.His67Asn (NM_001144881.2, NM_001144882.2, NM_001144883.2); short protein forms H67N.
Identifiers: ClinVar variation 1471943 (VCV001471943.8), dbSNP rs2140119023, ClinGen allele CA384444530.

ClinVar aggregate classification (germline): Uncertain significance (1 of 4 stars; one submission).

Conditions:
Epilepsy, progressive myoclonic, 1B. Also called: PME. Identifiers: Orphanet 308, MedGen C2676254, MONDO:0012904, OMIM 612437.

Submission:

Labcorp Genetics (formerly Invitae), Labcorp
Classification: Uncertain significance for Epilepsy, progressive myoclonic, 1B. Last evaluated: 2022-07-06. Review status: criteria provided, single submitter. Criteria: Invitae Variant Classification Sherloc (09022015). Collection method: clinical testing. Allele origin: germline.
Comment: ClinVar contains an entry for this variant (Variation ID: 1471943). In summary, the available evidence is currently insufficient to determine the role of this variant in disease. Therefore, it has been classified as a Variant of Uncertain Significance. Algorithms developed to predict the effect of missense changes on protein structure and function (SIFT, PolyPhen-2, Align-GVGD) all suggest that this variant is likely to be tolerated. This variant has not been reported in the literature in individuals affected with PRICKLE1-related conditions. This variant is not present in population databases (gnomAD no frequency). This sequence change replaces histidine, which is basic and polar, with asparagine, which is neutral and polar, at codon 67 of the PRICKLE1 protein (p.His67Asn).